The following is an entry in ClinVar:

ClinVar aggregate classification (germline): Likely pathogenic (1 of 4 stars; one submission).

Allele frequency attached by ClinVar (database versions not stated): gnomAD exomes below 0.00001.

Submission:

Labcorp Genetics (formerly Invitae), Labcorp
Classification: Likely pathogenic. Last evaluated: 2025-10-21. Review status: criteria provided, single submitter. Criteria: Invitae Variant Classification Sherloc (09022015). Collection method: clinical testing. Allele origin: germline.
Comment: This sequence change affects an acceptor splice site in intron 9 of the DGAT1 gene. It is expected to disrupt RNA splicing. Variants that disrupt the donor or acceptor splice site typically lead to a loss of protein function (PMID: 16199547), and loss-of-function variants in DGAT1 are known to be pathogenic (PMID: 29604290). This variant is not present in population databases (gnomAD no frequency). This variant has not been reported in the literature in individuals affected with DGAT1-related conditions. ClinVar contains an entry for this variant (Variation ID: 1470637). Algorithms developed to predict the effect of sequence changes on RNA splicing suggest that this variant may disrupt the consensus splice site. In summary, the currently available evidence indicates that the variant is pathogenic, but additional data are needed to prove that conclusively. Therefore, this variant has been classified as Likely Pathogenic.

Literature cited by the submitters: PubMed 16199547; PubMed 29604290.

NM_012079.6(DGAT1):c.856-2A>G

Gene: DGAT1 (diacylglycerol O-acyltransferase 1; minus strand). Cytogenetic location: 8q24.3.
Variant type: single nucleotide variant.
Coding change: c.856-2A>G on transcript NM_012079.6 (MANE Select); the canonical splice acceptor site of the intron before coding-DNA position 856, A replaced by G.
Molecular consequence: splice acceptor variant.
Genome position (GRCh38, 1-based): chr8:144,317,824, T>C on the plus strand (A>G on the coding strand, the complement: DGAT1 is on the minus strand). VCF-style: chr8-144317824-T-C. GRCh37 (hg19) VCF-style: chr8-145541487-T-C.
Identifiers: ClinVar variation 1470637 (VCV001470637.8), dbSNP rs1302929012, ClinGen allele CA372610129.